The following is an entry in ClinVar:

NM_001377265.1(MAPT):c.1390G>A (p.Asp464Asn)

Gene: MAPT (microtubule associated protein tau). Cytogenetic location: 17q21.31.
Variant type: single nucleotide variant.
Coding change: c.1390G>A on transcript NM_001377265.1 (MANE Select); coding-DNA position 1390, G replaced by A.
Protein change: p.Asp464Asn; replaces aspartic acid 464 with asparagine.
Molecular consequence: missense variant. On other transcripts: non-coding transcript variant (1).
Genome position (GRCh38, 1-based): chr17:45,987,078, G>A. VCF-style: chr17-45987078-G-A. GRCh37 (hg19) VCF-style: chr17-44064444-G-A.
Other names: c.1165G>A, p.Asp389Asn (NM_001123066.4, NM_016835.5); c.325G>A, p.Asp109Asn (NM_001123067.4, NM_001203251.2, NM_001377267.1); c.412G>A, p.Asp138Asn (NM_001203252.2, NM_005910.6); c.1390G>A, p.Asp464Asn (NM_001377266.1); c.238G>A, p.Asp80Asn (NM_001377268.1, NM_016834.5, NM_016841.5); short protein forms D138N, D389N, D109N, D80N, D464N.
Identifiers: ClinVar variation 392600 (VCV000392600.2), dbSNP rs768615863, ClinGen allele CA8617869.
Genomic context (GRCh38, chr17:45,987,078, plus strand): 5'-TTCTTATTTTATATTTTATCAGCTCGCATGGTCAGTAAAAGCAAAGACGGGACTGGAAGC[G>A]ATGACAAAAAAGCCAAGGTAAGCTGACGATGCCACGGAGCTCTGCAGCTGGTCAAGTTTA-3'
Protein context (NP_001364194.1, residues 454-474): VSKSKDGTGS[Asp464Asn]DKKAKTSTRS

ClinVar aggregate classification (germline): Uncertain significance (1 of 4 stars; one submission).

Allele frequency attached by ClinVar (database versions not stated): ExAC 0.00001; gnomAD 0.00001; TOPMed 0.00001; gnomAD exomes 0.00002.

Submission:

GeneDx
Classification: Uncertain significance. Last evaluated: 2017-01-03. Review status: criteria provided, single submitter. Criteria: GeneDx Variant Classification (06012015). Collection method: clinical testing. Allele origin: germline. Affected: yes.
Comment: The D138N variant in the MAPT gene has not been reported previously as a pathogenic variant, nor as a benign variant, to our knowledge. The D138N variant was not observed in approximately 6,500 individuals of European and African American ancestry in the NHLBI Exome Sequencing Project, indicating it is not a common benign variant in these populations. The D138N variant is a semi-conservative amino acid substitution, which may impact secondary protein structure as these residues differ in some properties. This substitution occurs at a position where amino acids with similar properties to Aspartic acid are tolerated across species. In silico analysis is inconsistent in its predictions as to whether or not the variant is damaging to the protein structure/function. We interpret D138N as a variant of uncertain significance.